The following is an entry in ClinVar:

NM_000069.3(CACNA1S):c.3185G>A (p.Gly1062Asp)

Gene: CACNA1S (calcium voltage-gated channel subunit alpha1 S; minus strand). Cytogenetic location: 1q32.1.
Variant type: single nucleotide variant.
Coding change: c.3185G>A on transcript NM_000069.3 (MANE Select); coding-DNA position 3185, G replaced by A.
Protein change: p.Gly1062Asp; replaces glycine 1062 with aspartic acid.
Molecular consequence: missense variant.
Genome position (GRCh38, 1-based): chr1:201,061,337, C>T on the plus strand (G>A on the coding strand, the complement: CACNA1S is on the minus strand). VCF-style: chr1-201061337-C-T. GRCh37 (hg19) VCF-style: chr1-201030465-C-T.
Other names: short protein forms G1062D.
Identifiers: ClinVar variation 541045 (VCV000541045.11), dbSNP rs1553249998, ClinGen allele CA344162039.

ClinVar aggregate classification (germline): Uncertain significance. Review status: criteria provided, multiple submitters, no conflicts (2 of 4 stars). 2 submissions from 2 submitters: Uncertain significance (2). Last evaluated 2022-06-04.

Conditions:
Hypokalemic periodic paralysis, type 1. Also called: HypoPP; Hypokalemic Periodic Paralysis Type 1 (AD). Identifiers: Orphanet 681, MedGen C3714580, MONDO:0042979, OMIM 170400.
Malignant hyperthermia, susceptibility to, 5 (MHS5). Also called: CACNA1S-Related Malignant Hyperthermia Susceptibility. Identifiers: Orphanet 423, MedGen C1866077, MONDO:0011163, OMIM 601887.

Submissions (2):

Labcorp Genetics (formerly Invitae), Labcorp
Classification: Uncertain significance for Hypokalemic periodic paralysis, type 1; Malignant hyperthermia, susceptibility to, 5. Last evaluated: 2022-06-04. Review status: criteria provided, single submitter. Criteria: Invitae Variant Classification Sherloc (09022015). Collection method: clinical testing. Allele origin: germline.
Comment: This sequence change replaces glycine, which is neutral and non-polar, with aspartic acid, which is acidic and polar, at codon 1062 of the CACNA1S protein (p.Gly1062Asp). This variant is not present in population databases (gnomAD no frequency). This variant has not been reported in the literature in individuals affected with CACNA1S-related conditions. ClinVar contains an entry for this variant (Variation ID: 541045). Algorithms developed to predict the effect of missense changes on protein structure and function are either unavailable or do not agree on the potential impact of this missense change (SIFT: "Deleterious"; PolyPhen-2: "Probably Damaging"; Align-GVGD: "Class C0"). In summary, the available evidence is currently insufficient to determine the role of this variant in disease. Therefore, it has been classified as a Variant of Uncertain Significance.

Blueprint Genetics
Classification: Uncertain significance. Last evaluated: 2021-05-20. Review status: criteria provided, single submitter. Criteria: ACMG Guidelines, 2015. Collection method: clinical testing. Allele origin: germline.